The following is an entry in ClinVar:

NM_003072.5(SMARCA4):c.1384A>G (p.Ile462Val)

Gene: SMARCA4 (SWI/SNF related BAF chromatin remodeling complex subunit ATPase 4; plus strand). Cytogenetic location: 19p13.2.
Variant type: single nucleotide variant.
Coding change: c.1384A>G on transcript NM_003072.5 (MANE Select); coding-DNA position 1384, A replaced by G.
Protein change: p.Ile462Val; replaces isoleucine 462 with valine.
Molecular consequence: missense variant. On other transcripts: non-coding transcript variant (1).
Genome position (GRCh38, 1-based): chr19:10,991,288, A>G. VCF-style: chr19-10991288-A-G. GRCh37 (hg19) VCF-style: chr19-11101964-A-G.
Other names: c.1384A>G, p.Ile462Val (NM_001128844.3, NM_001128845.2, NM_001128846.2 and 5 more transcripts); short protein forms I462V.
Identifiers: ClinVar variation 1351308 (VCV001351308.10), dbSNP rs2086537587, ClinGen allele CA404061014.
Genomic context (GRCh38, chr19:10,991,288, plus strand): 5'-AGCAAGCGCCAGTCCCTGCGCGAGGCCCGCATCACTGAGAAGCTGGAGAAGCAGCAGAAG[A>G]TCGAGCAGGAGCGCAAGCGCCGGCAGAAGCACCAGGTACGCTCCGGTGGCCCCAAGGCCC-3'
Protein context (NP_003063.2, residues 452-472): ITEKLEKQQK[Ile462Val]EQERKRRQKH

ClinVar aggregate classification (germline): Uncertain significance. Review status: criteria provided, multiple submitters, no conflicts (2 of 4 stars). 2 submissions from 2 submitters: Uncertain significance (2). Last evaluated 2022-07-19.

Conditions:
Hereditary cancer-predisposing syndrome. Also called: Neoplastic Syndromes, Hereditary; Tumor predisposition; Hereditary neoplastic syndrome; Hereditary Cancer Syndrome. Identifiers: Orphanet 140162, MedGen C0027672, MeSH D009386, MONDO:0015356.
Rhabdoid tumor predisposition syndrome 2 (RTPS2). Identifiers: Orphanet 231108, Orphanet 69077, MedGen C2750074, MONDO:0013224, OMIM 613325.

Allele frequency attached by ClinVar (database versions not stated): TOPMed below 0.00001.

Submissions (2):

Labcorp Genetics (formerly Invitae), Labcorp
Classification: Uncertain significance for Rhabdoid tumor predisposition syndrome 2. Last evaluated: 2022-07-19. Review status: criteria provided, single submitter. Criteria: Invitae Variant Classification Sherloc (09022015). Collection method: clinical testing. Allele origin: germline.
Comment: Algorithms developed to predict the effect of missense changes on protein structure and function are either unavailable or do not agree on the potential impact of this missense change (SIFT: "Deleterious"; PolyPhen-2: "Benign"; Align-GVGD: "Class C0"). In summary, the available evidence is currently insufficient to determine the role of this variant in disease. Therefore, it has been classified as a Variant of Uncertain Significance. ClinVar contains an entry for this variant (Variation ID: 1351308). This variant has not been reported in the literature in individuals affected with SMARCA4-related conditions. This variant is not present in population databases (gnomAD no frequency). This sequence change replaces isoleucine, which is neutral and non-polar, with valine, which is neutral and non-polar, at codon 462 of the SMARCA4 protein (p.Ile462Val).

Ambry Genetics
Classification: Uncertain significance for Hereditary cancer-predisposing syndrome. Last evaluated: 2022-05-23. Review status: criteria provided, single submitter. Criteria: Ambry Variant Classification Scheme 2023. Collection method: clinical testing. Allele origin: germline.
Comment: The p.I462V variant (also known as c.1384A>G), located in coding exon 7 of the SMARCA4 gene, results from an A to G substitution at nucleotide position 1384. The isoleucine at codon 462 is replaced by valine, an amino acid with highly similar properties. This amino acid position is highly conserved in available vertebrate species. In addition, this alteration is predicted to be tolerated by in silico analysis. Missense and in-frame variants in SMARCA4 are known to cause neurodevelopmental disorders; however, such associations with rhabdoid tumor predisposition syndrome including small cell carcinoma of the ovary-hypercalcemic type (SCCOHT) are exceedingly rare (Kosho T et al. Am J Med Genet C Semin Med Genet. 2014 Sep;166C(3):262-75; Jelinic P et al. Nat Genet. 2014 May;46(5):424-6). Based on the supporting evidence, the association of this alteration with Coffin-Siris syndrome is unknown; however, the association of this alteration with rhabdoid tumor predisposition syndrome is unlikely.